The following is an entry in ClinVar:

ClinVar aggregate classification (germline): Uncertain significance (1 of 4 stars; one submission).

Conditions:
Hereditary hyperekplexia. Identifiers: Orphanet 3197, MedGen C4084968, MONDO:0021022.

Submission:

Labcorp Genetics (formerly Invitae), Labcorp
Classification: Uncertain significance for Hereditary hyperekplexia. Last evaluated: 2022-08-31. Review status: criteria provided, single submitter. Criteria: Invitae Variant Classification Sherloc (09022015). Collection method: clinical testing. Allele origin: germline.
Comment: This sequence change replaces asparagine, which is neutral and polar, with lysine, which is basic and polar, at codon 66 of the GLRA1 protein (p.Asn66Lys). This variant is not present in population databases (gnomAD no frequency). This variant has not been reported in the literature in individuals affected with GLRA1-related conditions. Advanced modeling of protein sequence and biophysical properties (such as structural, functional, and spatial information, amino acid conservation, physicochemical variation, residue mobility, and thermodynamic stability) performed at Invitae indicates that this missense variant is not expected to disrupt GLRA1 protein function. In summary, the available evidence is currently insufficient to determine the role of this variant in disease. Therefore, it has been classified as a Variant of Uncertain Significance.

NM_000171.4(GLRA1):c.198C>G (p.Asn66Lys)

Gene: GLRA1 (glycine receptor alpha 1; minus strand). Cytogenetic location: 5q33.1.
Variant type: single nucleotide variant.
Coding change: c.198C>G on transcript NM_000171.4 (MANE Select); coding-DNA position 198, C replaced by G.
Protein change: p.Asn66Lys; replaces asparagine 66 with lysine.
Molecular consequence: missense variant. On other transcripts: 5 prime UTR variant (1).
Genome position (GRCh38, 1-based): chr5:151,886,775, G>C on the plus strand (C>G on the coding strand, the complement: GLRA1 is on the minus strand). VCF-style: chr5-151886775-G-C. GRCh37 (hg19) VCF-style: chr5-151266336-G-C.
Other names: c.198C>G, p.Asn66Lys (NM_001146040.2); c.-52C>G (NM_001292000.2); short protein forms N66K.
Identifiers: ClinVar variation 1717411 (VCV001717411.5), dbSNP rs200606738, ClinGen allele CA361846605.
Genomic context (GRCh38, chr5:151,886,775, plus strand): 5'-ACTCACCATGGTTGTCTCAGCAATGGAACCAAAGCTGTTGATGAAAATGTTGCAGCTCAC[G>C]TTCACTGGGGGACCTGCCAATCAAGAGAGATTCCTGCTTAGCCCCAAGGCCATGGAAGAA-3'
Protein context (NP_000162.2, residues 56-76): IRPNFKGPPV[Asn66Lys]VSCNIFINSF